The following is an entry in ClinVar:

NM_025233.7(COASY):c.644G>A (p.Cys215Tyr)

Gene: COASY (Coenzyme A synthase; plus strand). Cytogenetic location: 17q21.2.
Variant type: single nucleotide variant.
Coding change: c.644G>A on transcript NM_025233.7 (MANE Select); coding-DNA position 644, G replaced by A.
Protein change: p.Cys215Tyr; replaces cysteine 215 with tyrosine.
Molecular consequence: missense variant.
Genome position (GRCh38, 1-based): chr17:42,563,266, G>A. VCF-style: chr17-42563266-G-A. GRCh37 (hg19) VCF-style: chr17-40715284-G-A.
Other names: c.644G>A, p.Cys215Tyr (NM_001042529.3); c.731G>A, p.Cys244Tyr (NM_001042532.4); short protein forms C215Y, C244Y.
Identifiers: ClinVar variation 2128729 (VCV002128729.4), dbSNP rs372394606, ClinGen allele CA399618741.
Genomic context (GRCh38, chr17:42,563,266, plus strand): 5'-CTGTCGGTGGCACGTTTGACCGCCTGCACAACGCCCACAAGGTGTTGCTCAGTGTCGCGT[G>A]CATCCTGGCCCAGGAGCAGCTTGTGGTGGGAGTAGCAGACAAAGATCTGTTGAAGAGTGA-3'
Protein context (NP_079509.5, residues 205-225): NAHKVLLSVA[Cys215Tyr]ILAQEQLVVG

ClinVar aggregate classification (germline): Uncertain significance (1 of 4 stars; one submission).

Conditions:
Neurodegeneration with brain iron accumulation 6 (NBIA6). Also called: COASY protein-associated neurodegeneration. Identifiers: Orphanet 397725, MedGen C4517377, MONDO:0014290, OMIM 615643.

Submission:

Labcorp Genetics (formerly Invitae), Labcorp
Classification: Uncertain significance for Neurodegeneration with brain iron accumulation 6. Last evaluated: 2022-04-21. Review status: criteria provided, single submitter. Criteria: Invitae Variant Classification Sherloc (09022015). Collection method: clinical testing. Allele origin: germline.
Comment: This variant is not present in population databases (gnomAD no frequency). This sequence change replaces cysteine, which is neutral and slightly polar, with tyrosine, which is neutral and polar, at codon 215 of the COASY protein (p.Cys215Tyr). In summary, the available evidence is currently insufficient to determine the role of this variant in disease. Therefore, it has been classified as a Variant of Uncertain Significance. Algorithms developed to predict the effect of missense changes on protein structure and function are either unavailable or do not agree on the potential impact of this missense change (SIFT: "Deleterious"; PolyPhen-2: "Probably Damaging"; Align-GVGD: "Class C0"). This variant has not been reported in the literature in individuals affected with COASY-related conditions.